The following is an entry in ClinVar:

ClinVar aggregate classification (germline): Uncertain significance. Review status: criteria provided, multiple submitters, no conflicts (2 of 4 stars). 2 submissions from 2 submitters: Uncertain significance (2). Last evaluated 2022-09-13.

Conditions:
Joubert syndrome 21 (JBTS21). Identifiers: MedGen C3810212, MONDO:0014288, OMIM 615636.

Allele frequency attached by ClinVar (database versions not stated): gnomAD exomes 0.00010 and 0.00021; gnomAD 0.00013 and 0.00014; TOPMed 0.00013; ExAC 0.00027; ESP Exome Variant Server 0.00042.
gnomAD v4.1: 163 of 1,604,778 alleles (0.01%); highest among the groups gnomAD compares: South Asian, 0.13%; 2 homozygotes.

Submissions (2):

Labcorp Genetics (formerly Invitae), Labcorp
Classification: Uncertain significance for Joubert syndrome 21. Last evaluated: 2022-09-13. Review status: criteria provided, single submitter. Criteria: Invitae Variant Classification Sherloc (09022015). Collection method: clinical testing. Allele origin: germline.
Comment: This sequence change replaces arginine, which is basic and polar, with cysteine, which is neutral and slightly polar, at codon 872 of the CSPP1 protein (p.Arg872Cys). This variant is present in population databases (rs199521775, gnomAD 0.1%). This variant has not been reported in the literature in individuals affected with CSPP1-related conditions. ClinVar contains an entry for this variant (Variation ID: 1023413). Algorithms developed to predict the effect of missense changes on protein structure and function (SIFT, PolyPhen-2, Align-GVGD) all suggest that this variant is likely to be tolerated. In summary, the available evidence is currently insufficient to determine the role of this variant in disease. Therefore, it has been classified as a Variant of Uncertain Significance.

Revvity Omics, Revvity
Classification: Uncertain significance for Joubert syndrome 21. Last evaluated: 2021-01-09. Review status: criteria provided, single submitter. Criteria: ACMG Guidelines, 2015. Collection method: clinical testing. Allele origin: germline.

NM_001382391.1(CSPP1):c.2629C>T (p.Arg877Cys)

Gene: CSPP1 (centrosome and spindle pole associated protein 1; plus strand). Cytogenetic location: 8q13.2.
Variant type: single nucleotide variant.
Coding change: c.2629C>T on transcript NM_001382391.1 (MANE Select); coding-DNA position 2629, C replaced by T.
Protein change: p.Arg877Cys; replaces arginine 877 with cysteine.
Molecular consequence: missense variant.
Genome position (GRCh38, 1-based): chr8:67,161,901, C>T. VCF-style: chr8-67161901-C-T. GRCh37 (hg19) VCF-style: chr8-68074136-C-T.
Other names: c.1579C>T, p.Arg527Cys (NM_001291339.2); c.2548C>T, p.Arg850Cys (NM_001363131.2); c.2434C>T, p.Arg812Cys (NM_001363132.2); c.2353C>T, p.Arg785Cys (NM_001363133.2); c.2695C>T, p.Arg899Cys (NM_001364869.1); c.2515C>T, p.Arg839Cys (NM_001364870.1); c.2614C>T, p.Arg872Cys (NM_024790.7); short protein forms R527C, R785C, R812C, R839C, R850C, R872C, R877C, R899C.
Identifiers: ClinVar variation 1023413 (VCV001023413.6), dbSNP rs199521775, ClinGen allele CA4770885.